The following is an entry in ClinVar:

NM_001083116.3(PRF1):c.1A>G (p.Met1Val)

Gene: PRF1 (perforin 1; minus strand). Cytogenetic location: 10q22.1.
Variant type: single nucleotide variant.
Coding change: c.1A>G on transcript NM_001083116.3 (MANE Select); coding-DNA position 1, A replaced by G.
Protein change: p.Met1Val; changes the start codon (methionine 1).
Molecular consequence: missense variant, initiator codon variant.
Genome position (GRCh38, 1-based): chr10:70,600,902, T>C on the plus strand (A>G on the coding strand, the complement: PRF1 is on the minus strand). VCF-style: chr10-70600902-T-C. GRCh37 (hg19) VCF-style: chr10-72360658-T-C.
Other names: c.1A>G, p.Met1Val (NM_005041.6); short protein forms M1V.
Identifiers: ClinVar variation 1029054 (VCV001029054.18), dbSNP rs1848222357, ClinGen allele CA376960285.

ClinVar aggregate classification (germline): Pathogenic/Likely pathogenic. Review status: criteria provided, multiple submitters, no conflicts (2 of 4 stars). 4 submissions from 4 submitters: Pathogenic (2); Likely pathogenic (1). 1 of the submissions does not count toward it. Last evaluated 2025-05-22.

Conditions:
Familial hemophagocytic lymphohistiocytosis (FHL). Also called: Familial erythrophagocytic lymphohistiocytosis; Familial histiocytic reticulosis; Hereditary hemophagocytic lymphohistiocytosis. Identifiers: Orphanet 158038, Orphanet 540, MedGen C0272199, MONDO:0015541.
Familial hemophagocytic lymphohistiocytosis 2 (FHL2). Also called: PRF1-Related Familial Hemophagocytic Lymphohistiocytosis (PRF1-fHLH). Identifiers: Orphanet 540, MedGen C1863727, MONDO:0011337, OMIM 603553.

Allele frequency attached by ClinVar (database versions not stated): gnomAD exomes below 0.00001.

Submissions (4):

Myriad Genetics, Inc.
Classification: Pathogenic for Familial hemophagocytic lymphohistiocytosis 2. Last evaluated: 2025-05-22. Review status: criteria provided, single submitter. Criteria: Myriad Autosomal Dominant, Autosomal Recessive and X-Linked Classification Criteria (2023). Collection method: clinical testing. Allele origin: unknown.
Comment: NM_001083116.1(PRF1):c.1A>G(M1?) is an initiation codon variant classified as pathogenic in the context of familial hemophagocytic lymphohistiocytosis, PRF1-related. M1? has been observed in cases with relevant disease (PMID: 26199792,12716377). Relevant functional assessments of this variant are not available in the literature. M1? has not been observed in referenced population frequency databases. In summary, NM_001083116.1(PRF1):c.1A>G(M1?) is an initiation codon variant that has been observed more frequently in cases with the relevant disease than in healthy populations. Please note: this variant was assessed in the context of healthy population screening.

Women's Health and Genetics/Laboratory Corporation of America, LabCorp
Classification: Likely pathogenic for Familial hemophagocytic lymphohistiocytosis. Last evaluated: 2023-04-25. Review status: criteria provided, single submitter. Criteria: LabCorp Variant Classification Summary - May 2015. Collection method: clinical testing. Allele origin: germline.
Comment: Variant summary: PRF1 c.1A>G (p.Met1Val) alters the initiation codon and is predicted to result either in absence of the protein or truncation of the encoded protein due to translation initiation at a downstream codon. Two of three in-silico tools predict a benign effect of the variant on protein function. The variant was absent in 184456 control chromosomes (gnomAD). c.1A>G has been reported in the literature in individuals affected with Familial Hemophagocytic Lymphohistiocytosis (examples: Ueda_2007, Trizzino_2008, and Iwatani_2015). Other start loss variants c.3G>A/c.2T>C are classified pathogenic in ClinVar (CV ID 1301336, 1427863). These data indicate that the variant is likely to be associated with disease. The following publications have been ascertained in the context of this evaluation (PMID: 17266056, 26199792, 27896523, 19487666, 15632205, 17873118). One clinical diagnostic laboratory has submitted clinical-significance assessments for this variant to ClinVar after 2014 and classified the variant as pathogenic. Based on the evidence outlined above, the variant was classified as likely pathogenic.

Baylor Genetics
Classification: Pathogenic for Familial hemophagocytic lymphohistiocytosis 2. Last evaluated: 2020-04-14. Review status: criteria provided, single submitter. Criteria: ACMG Guidelines, 2015. Collection method: clinical testing. Allele origin: unknown. Affected: yes.
Comment: This variant was determined to be pathogenic according to ACMG Guidelines, 2015 [PMID:25741868].

Clinical Laboratory Sciences Program (CLSP), King Saud bin Abdulaziz University for Health Sciences (KSAU-HS)
Classification: Pathogenic for Familial hemophagocytic lymphohistiocytosis 2. Last evaluated: 2023-04-01. Review status: no assertion criteria provided. Collection method: clinical testing. Allele origin: germline. Affected: yes. Not counted in ClinVar's aggregate classification.

Literature cited by the submitters: PubMed 12716377 (cited by Myriad Genetics, Inc.); PubMed 26199792 (cited by Myriad Genetics, Inc. and Women's Health and Genetics/Laboratory Corporation of America, LabCorp); PubMed 19487666 (cited by Women's Health and Genetics/Laboratory Corporation of America, LabCorp); PubMed 17266056 (cited by Women's Health and Genetics/Laboratory Corporation of America, LabCorp); PubMed 17873118 (cited by Women's Health and Genetics/Laboratory Corporation of America, LabCorp); PubMed 27896523 (cited by Women's Health and Genetics/Laboratory Corporation of America, LabCorp); PubMed 15632205 (cited by Women's Health and Genetics/Laboratory Corporation of America, LabCorp).